The following is an entry in ClinVar:

ClinVar aggregate classification (germline): Likely benign (0 of 4 stars; one submission).

Conditions:
ARHGEF10-related disorder. Also called: ARHGEF10-related condition.

Submission:

PreventionGenetics, part of Exact Sciences
Classification: Likely benign for ARHGEF10-related condition. Last evaluated: 2019-03-28. Review status: no assertion criteria provided. Collection method: clinical testing. Allele origin: germline.
Comment: This variant is classified as likely benign based on ACMG/AMP sequence variant interpretation guidelines (Richards et al. 2015 PMID: 25741868, with internal and published modifications).

NM_014629.4(ARHGEF10):c.37+5C>T

Genes: ARHGEF10 (Rho guanine nucleotide exchange factor 10; plus strand), LOC126860279 (CDK7 strongly-dependent group 2 enhancer GRCh37_chr8:1791725-1792924; plus strand). Cytogenetic location: 8p23.3.
Variant type: single nucleotide variant.
Coding change: c.37+5C>T on transcript NM_014629.4 (MANE Select); 5 bases into the intron after coding-DNA position 37, C replaced by T.
Molecular consequence: intron variant.
Genome position (GRCh38, 1-based): chr8:1,843,441, C>T. VCF-style: chr8-1843441-C-T. GRCh37 (hg19) VCF-style: chr8-1791607-C-T.
Other names: c.37+5C>T (NM_001438092.1, NM_001438091.1, NM_001308152.2 and 3 more transcripts).
Identifiers: ClinVar variation 3058349 (VCV003058349.2), dbSNP rs1156333922, ClinGen allele CA2740094960.
Genomic context (GRCh38, chr8:1,843,441, plus strand): 5'-AGGCATCTGGAGCTGCAGCATGGACCAGCGAGAGCCCCTGCCTCCCGCTCCTGCAGGTAA[C>T]AGCACTCAGTAGGTGGGCCTGTGGGTCAGGTTGTGCTGCTGCTCTCATCAAGGACGGGGT-3'